The following is an entry in ClinVar:

ClinVar aggregate classification (germline): Uncertain significance (1 of 4 stars; one submission).

Conditions:
Imerslund-Grasbeck syndrome. Also called: PERNICIOUS ANEMIA, JUVENILE, DUE TO SELECTIVE INTESTINAL MALABSORPTION OF VITAMIN B12, WITH PROTEINURIA; Megaloblastic anemia due to inborn errors of metabolism; ENTEROCYTE COBALAMIN MALABSORPTION; ENTEROCYTE INTRINSIC FACTOR RECEPTOR, DEFECT OF; Imerslund-Gräsbeck syndrome. Identifiers: Orphanet 35858, MedGen C4551825, MONDO:0009853.

Allele frequency attached by ClinVar (database versions not stated): ExAC 0.00002; gnomAD exomes below 0.00001; TOPMed below 0.00001.

Submission:

Labcorp Genetics (formerly Invitae), Labcorp
Classification: Uncertain significance for Imerslund-Grasbeck syndrome. Last evaluated: 2022-06-23. Review status: criteria provided, single submitter. Criteria: Invitae Variant Classification Sherloc (09022015). Collection method: clinical testing. Allele origin: germline.
Comment: In summary, the available evidence is currently insufficient to determine the role of this variant in disease. Therefore, it has been classified as a Variant of Uncertain Significance. Algorithms developed to predict the effect of sequence changes on RNA splicing suggest that this variant may create or strengthen a splice site. Algorithms developed to predict the effect of missense changes on protein structure and function output the following: SIFT: "Deleterious"; PolyPhen-2: "Benign"; Align-GVGD: "Class C0". The glycine amino acid residue is found in multiple mammalian species, which suggests that this missense change does not adversely affect protein function. This variant has not been reported in the literature in individuals affected with CUBN-related conditions. This variant is present in population databases (rs751853990, gnomAD 0.01%). This sequence change replaces serine, which is neutral and polar, with glycine, which is neutral and non-polar, at codon 396 of the CUBN protein (p.Ser396Gly).

NM_001081.4(CUBN):c.1186A>G (p.Ser396Gly)

Gene: CUBN (cubilin; minus strand). Cytogenetic location: 10p13.
Variant type: single nucleotide variant.
Coding change: c.1186A>G on transcript NM_001081.4 (MANE Select); coding-DNA position 1186, A replaced by G.
Protein change: p.Ser396Gly; replaces serine 396 with glycine.
Molecular consequence: missense variant.
Genome position (GRCh38, 1-based): chr10:17,105,501, T>C on the plus strand (A>G on the coding strand, the complement: CUBN is on the minus strand). VCF-style: chr10-17105501-T-C. GRCh37 (hg19) VCF-style: chr10-17147500-T-C.
Other names: short protein forms S396G.
Identifiers: ClinVar variation 2047975 (VCV002047975.4), dbSNP rs751853990, ClinGen allele CA5425365.
Genomic context (GRCh38, chr10:17,105,501, plus strand): 5'-AAAACAAAGGACTCACGATGCATTGTCCATTTAGACAGGGGTGACTTAGGCAAATATTAC[T>C]GAGCTGCACACATCCATTTGGCCCATAACCATTTCCAGTATAACCCGGGAGACACGTGCA-3'
Protein context (NP_001072.2, residues 386-406): GYGPNGCVQL[Ser396Gly]NICLSHPCLN